The following is an entry in ClinVar:

ClinVar aggregate classification (germline): Benign/Likely benign. Review status: criteria provided, multiple submitters, no conflicts (2 of 4 stars). 2 submissions from 2 submitters: Benign (1); Likely benign (1). Last evaluated 2024-10-09.

Conditions:
Thrombocytopenia. Identifiers: MedGen C0040034, MeSH D013921, MONDO:0002049, HP:0001873.

Allele frequency attached by ClinVar (database versions not stated): gnomAD 0.00027 and below 0.00001; gnomAD exomes 0.00043 and 0.00078; 1000 Genomes Project 30x 0.00062; ExAC 0.00077; 1000 Genomes Project 0.00080; TOPMed 0.00003.
gnomAD v4.1: 660 of 1,613,604 alleles (0.041%); highest among the groups gnomAD compares: South Asian, 0.69%; 8 homozygotes.

Submissions (2):

Blueprint Genetics
Classification: Likely benign. Last evaluated: 2024-10-09. Review status: criteria provided, single submitter. Criteria: ACMG Guidelines, 2015. Collection method: clinical testing. Allele origin: germline.

Illumina Laboratory Services, Illumina
Classification: Benign for Thrombocytopenia. Last evaluated: 2018-01-12. Review status: criteria provided, single submitter. Criteria: ICSL Variant Classification Criteria 13 December 2019. Collection method: clinical testing. Allele origin: germline.
Comment: This variant was observed in the ICSL laboratory as part of a predisposition screen in an ostensibly healthy population. It had not been previously curated by ICSL or reported in the Human Gene Mutation Database (HGMD: prior to June 1st, 2018), and was therefore a candidate for classification through an automated scoring system. Utilizing variant allele frequency, disease prevalence and penetrance estimates, and inheritance mode, an automated score was calculated to assess if this variant is too frequent to cause the disease. Based on the score and internal cut-off values, a variant classified as benign is not then subjected to further curation. The score for this variant resulted in a classification of benign for this disease.

NM_001172303.3(MASTL):c.985-15T>C

Gene: MASTL (microtubule associated serine/threonine kinase like; plus strand). Cytogenetic location: 10p12.1.
Variant type: single nucleotide variant.
Coding change: c.985-15T>C on transcript NM_001172303.3 (MANE Select); 15 bases into the intron before coding-DNA position 985, T replaced by C.
Molecular consequence: intron variant.
Genome position (GRCh38, 1-based): chr10:27,169,929, T>C. VCF-style: chr10-27169929-T-C. GRCh37 (hg19) VCF-style: chr10-27458858-T-C.
Other names: c.502-15T>C (NM_001372029.1, NM_001372030.1); c.985-15T>C (NM_001320757.2, NM_001320756.2, NM_032844.5 and 1 more transcripts).
Identifiers: ClinVar variation 299790 (VCV000299790.6), dbSNP rs545742347, ClinGen allele CA5450128.